The following is an entry in ClinVar:

ClinVar aggregate classification (germline): Pathogenic (1 of 4 stars; one submission).

Allele frequency attached by ClinVar (database versions not stated): gnomAD 0.00001; TOPMed 0.00001.
gnomAD v4.1: 1 of 1,613,824 alleles (0.000062%); highest among the groups gnomAD compares: African/African-American, 0.0013%; no homozygotes.

Submission:

GeneDx
Classification: Pathogenic. Last evaluated: 2023-12-19. Review status: criteria provided, single submitter. Criteria: GeneDx Variant Classification Process June 2021. Collection method: clinical testing. Allele origin: germline. Affected: yes.
Comment: Nonsense variant predicted to result in protein truncation or nonsense mediated decay in a gene for which loss of function is a known mechanism of disease; Not observed at significant frequency in large population cohorts (gnomAD); This variant is associated with the following publications: (PMID: 33486620)

NM_001371596.2(MFSD8):c.1093C>T (p.Gln365Ter)

Gene: MFSD8 (major facilitator superfamily domain containing 8; minus strand). Cytogenetic location: 4q28.2.
Variant type: single nucleotide variant.
Coding change: c.1093C>T on transcript NM_001371596.2 (MANE Select); coding-DNA position 1093, C replaced by T.
Protein change: p.Gln365Ter; replaces glutamine 365 with a stop codon.
Molecular consequence: nonsense.
Genome position (GRCh38, 1-based): chr4:127,921,869, G>A on the plus strand (C>T on the coding strand, the complement: MFSD8 is on the minus strand). VCF-style: chr4-127921869-G-A. GRCh37 (hg19) VCF-style: chr4-128843024-G-A.
Other names: c.892C>T, p.Gln298Ter (NM_001363520.3); c.778C>T, p.Gln260Ter (NM_001363521.3); c.958C>T, p.Gln320Ter (NM_001371590.2); c.1093C>T, p.Gln365Ter (NM_001371591.2, NM_152778.4); c.1099C>T, p.Gln367Ter (NM_001371592.2); c.979C>T, p.Gln327Ter (NM_001371593.2); c.946C>T, p.Gln316Ter (NM_001371594.2); c.811C>T, p.Gln271Ter (NM_001371595.1); and 1 more; short protein forms Q365*, Q260*, Q298*, Q271*, Q316*, Q320*, Q327*, Q367*.
Identifiers: ClinVar variation 632430 (VCV000632430.7), dbSNP rs904329013, ClinGen allele CA105671097.